The following is an entry in ClinVar:

NM_000346.4(SOX9):c.181AAG[1] (p.Lys62del)

Genes: SOX9 (SRY-box transcription factor 9; plus strand), LOC108021846 (SOX9 promoter region; plus strand). Cytogenetic location: 17q24.3.
Variant type: Microsatellite.
Coding change: c.181AAG[1] on transcript NM_000346.4 (MANE Select); one copy of the 3-base unit AAG starting at c.181; the reference has two copies in a row; one copy, 3 bases deleted.
Protein change: p.Lys62del; deletes lysine 62.
Molecular consequence: inframe deletion.
Genome position (GRCh38, 1-based): chr17:72,121,575-72,121,577, AAG deleted; deleting any 3 consecutive bases within chr17:72,121,571-72,121,577 gives the same sequence; the position shown is the placement nearest the transcript's 3' end. VCF-style (leftmost placement, unchanged base first): chr17-72121570-TGAA-T. GRCh37 (hg19) VCF-style: chr17-70117711-TGAA-T.
Other names: short protein forms K62del.
Identifiers: ClinVar variation 1217940 (VCV001217940.4), dbSNP rs778226772, ClinGen allele CA8738884.

ClinVar aggregate classification (germline): Uncertain significance. Review status: criteria provided, multiple submitters, no conflicts (2 of 4 stars). 2 submissions from 2 submitters: Uncertain significance (2). Last evaluated 2025-05-04.

Conditions:
Camptomelic dysplasia (CMPD). Also called: CMPD1/SRA1; Campomelic Dysplasia. Identifiers: Orphanet 140, MedGen C1861922, MONDO:0007251, OMIM 114290.

Submissions (2):

Labcorp Genetics (formerly Invitae), Labcorp
Classification: Uncertain significance for Camptomelic dysplasia. Last evaluated: 2025-05-04. Review status: criteria provided, single submitter. Criteria: Invitae Variant Classification Sherloc (09022015). Collection method: clinical testing. Allele origin: germline.
Comment: This variant, c.184_186del, results in the deletion of 1 amino acid(s) of the SOX9 protein (p.Lys62del), but otherwise preserves the integrity of the reading frame. This variant is present in population databases (rs778226772, gnomAD 0.003%). This variant has not been reported in the literature in individuals affected with SOX9-related conditions. ClinVar contains an entry for this variant (Variation ID: 1217940). Experimental studies and prediction algorithms are not available or were not evaluated, and the functional significance of this variant is currently unknown. In summary, the available evidence is currently insufficient to determine the role of this variant in disease. Therefore, it has been classified as a Variant of Uncertain Significance.

GeneDx
Classification: Uncertain significance. Last evaluated: 2019-12-30. Review status: criteria provided, single submitter. Criteria: GeneDx Variant Classification Process June 2021. Collection method: clinical testing. Allele origin: germline. Affected: yes.
Comment: In-frame deletion of one amino acid in a non-repeat region; In silico analysis, which includes protein predictors and evolutionary conservation, supports a deleterious effect; Has not been previously published as pathogenic or benign to our knowledge